The following is an entry in ClinVar:

NM_002458.3(MUC5B):c.12365C>T (p.Thr4122Met)

Genes: MUC5B (mucin 5B, oligomeric mucus/gel-forming; plus strand), MUC5B-AS1 (MUC5B antisense RNA 1; minus strand). Cytogenetic location: 11p15.5.
Variant type: single nucleotide variant.
Coding change: c.12365C>T on transcript NM_002458.3 (MANE Select); coding-DNA position 12365, C replaced by T.
Protein change: p.Thr4122Met; replaces threonine 4122 with methionine.
Molecular consequence: missense variant.
Genome position (GRCh38, 1-based): chr11:1,249,245, C>T. VCF-style: chr11-1249245-C-T. GRCh37 (hg19) VCF-style: chr11-1270475-C-T.
Other names: c.12365C>T (NM_002458.2); short protein forms T4122M.
Identifiers: ClinVar variation 3770856 (VCV003770856.14).

ClinVar aggregate classification (germline): Conflicting classifications of pathogenicity. Review status: criteria provided, conflicting classifications (1 of 4 stars). 2 submissions from 2 submitters: Uncertain significance (1); Benign (1). Last evaluated 2026-04-01.

gnomAD v4.1: 1,364 of 1,611,434 alleles (0.085%); highest among the groups gnomAD compares: Middle Eastern, 0.99%; 6 homozygotes.

Submissions (2):

CeGaT Center for Human Genetics Tuebingen
Classification: Benign. Last evaluated: 2026-04-01. Review status: criteria provided, single submitter. Criteria: CeGaT Center For Human Genetics Tuebingen Variant Classification Criteria Version 2. Collection method: clinical testing. Allele origin: germline. Affected: yes. Observed: 2 variant alleles.
Comment: MUC5B: BP4, BS1, BS2

Ambry Genetics
Classification: Uncertain significance. Last evaluated: 2025-08-01. Review status: criteria provided, single submitter. Criteria: Ambry Variant Classification Scheme 2023. Collection method: clinical testing. Allele origin: germline.